The following is an entry in ClinVar:

ClinVar aggregate classification (germline): Uncertain significance. Review status: criteria provided, multiple submitters, no conflicts (2 of 4 stars). 2 submissions from 2 submitters: Uncertain significance (2). Last evaluated 2024-11-11.

Conditions:
DICER1-related tumor predisposition. Also called: DICER1-related pleuropulmonary blastoma cancer predisposition syndrome; DICER1 syndrome. Identifiers: Orphanet 284343, MedGen C3839822, MONDO:0100216.

Allele frequency attached by ClinVar (database versions not stated): gnomAD exomes below 0.00001.
gnomAD v4.1: 2 of 1,614,152 alleles (0.00012%); highest among the groups gnomAD compares: Non-Finnish European, 0.00017%; no homozygotes.

Submissions (2):

GeneDx
Classification: Uncertain significance. Last evaluated: 2024-11-11. Review status: criteria provided, single submitter. Criteria: GeneDx Variant Classification Process June 2021. Collection method: clinical testing. Allele origin: germline. Affected: yes.
Comment: Not observed at significant frequency in large population cohorts (gnomAD); In silico analysis indicates that this missense variant does not alter protein structure/function; Has not been previously published as pathogenic or benign to our knowledge

Labcorp Genetics (formerly Invitae), Labcorp
Classification: Uncertain significance for DICER1-related tumor predisposition. Last evaluated: 2024-04-29. Review status: criteria provided, single submitter. Criteria: Invitae Variant Classification Sherloc (09022015). Collection method: clinical testing. Allele origin: germline.
Comment: This sequence change replaces arginine, which is basic and polar, with lysine, which is basic and polar, at codon 1139 of the DICER1 protein (p.Arg1139Lys). This variant is not present in population databases (gnomAD no frequency). This variant has not been reported in the literature in individuals affected with DICER1-related conditions. ClinVar contains an entry for this variant (Variation ID: 1421749). Advanced modeling of protein sequence and biophysical properties (such as structural, functional, and spatial information, amino acid conservation, physicochemical variation, residue mobility, and thermodynamic stability) performed at Invitae indicates that this missense variant is not expected to disrupt DICER1 protein function with a negative predictive value of 80%. In summary, the available evidence is currently insufficient to determine the role of this variant in disease. Therefore, it has been classified as a Variant of Uncertain Significance.

NM_177438.3(DICER1):c.3416G>A (p.Arg1139Lys)

Gene: DICER1 (dicer 1, ribonuclease III; minus strand). Cytogenetic location: 14q32.13.
Variant type: single nucleotide variant.
Coding change: c.3416G>A on transcript NM_177438.3 (MANE Select); coding-DNA position 3416, G replaced by A.
Protein change: p.Arg1139Lys; replaces arginine 1139 with lysine.
Molecular consequence: missense variant.
Genome position (GRCh38, 1-based): chr14:95,103,980, C>T on the plus strand (G>A on the coding strand, the complement: DICER1 is on the minus strand). VCF-style: chr14-95103980-C-T. GRCh37 (hg19) VCF-style: chr14-95570317-C-T.
Other names: c.3416G>A, p.Arg1139Lys (NM_001195573.1, NM_001271282.3, NM_001291628.2 and 1 more transcripts); c.3416G>A (NM_177438.2); short protein forms R1139K.
Identifiers: ClinVar variation 1421749 (VCV001421749.10), dbSNP rs2139969094, ClinGen allele CA390875533.
Genomic context (GRCh38, chr14:95,103,980, plus strand): 5'-TCGCTGAGCAACGTTCTGCAGTTCACAGACATTTGGTCATGATTTTCTAGAGAGGAGGTT[C>T]TATTAGCACCTTGATGTGCAGCATTTTCAGGGACAATTGTGCTGTGCTTACAGTAATTAT-3'
Protein context (NP_803187.1, residues 1129-1149): PENAAHQGAN[Arg1139Lys]TSSLENHDQM